The following is an entry in ClinVar:

NM_007294.4(BRCA1):c.3016_3020del (p.His1006fs)

Gene: BRCA1 (BRCA1 DNA repair associated; minus strand). Cytogenetic location: 17q21.31.
Variant type: Deletion.
Coding change: c.3016_3020del on transcript NM_007294.4 (MANE Select); coding-DNA positions 3016 to 3020, 5 bases deleted (CATTC; older notation c.3016_3020delCATTC).
Protein change: p.His1006fs; shifts the reading frame from histidine 1006.
Molecular consequence: frameshift variant. On other transcripts: intron variant (137).
Genome position (GRCh38, 1-based): chr17:43,092,511-43,092,515, GAATG deleted on the plus strand (CATTC on the coding strand, the reverse complement: BRCA1 is on the minus strand). VCF-style (leftmost placement, unchanged base first): chr17-43092510-TGAATG-T. GRCh37 (hg19) VCF-style: chr17-41244527-TGAATG-T.
Other names: c.785-1483_785-1479del (NM_001408392.1, NM_001407986.1, NM_001407972.1 and 13 more transcripts); c.665-1483_665-1479del (NM_001408441.1, NM_001408437.1, NM_001408429.1 and 12 more transcripts); c.788-1483_788-1479del (NM_001407979.1, NM_001407977.1, NM_001407982.1 and 17 more transcripts); c.647-1483_647-1479del (NM_001408410.1, NM_001408458.1, NM_001408469.1 and 11 more transcripts); c.710-1483_710-1479del (NM_001408415.1, NM_001408412.1, NM_001408409.1 and 2 more transcripts); c.578-1483_578-1479del (NM_001408483.1, NM_001408481.1, NM_001408480.1 and 9 more transcripts); c.2803_2807del, p.His935fs (NM_001407571.1, NM_001407853.1, NM_001407894.1 and 9 more transcripts); c.3016_3020del, p.His1006fs (NM_001407581.1, NM_001407582.1, NM_001407583.1 and 30 more transcripts); and 41 more; short protein forms H1006fs, H959fs, H1003fs, H1005fs, H935fs, H936fs, H980fs, H710fs.
Identifiers: ClinVar variation 431237 (VCV000431237.2), dbSNP rs1135401855, ClinGen allele CA645373187.
Genomic context (GRCh38, chr17:43,092,510, plus strand): 5'-GCTAATTGTGCTCACTGTACTTGGAATGTTCTCATTTCCCATTTCTCTTTCAGGTGACAT[TGAATG>T]TTCCTCAAAGTTTTCCTCTAGCAGATTTTTCTTACATTTAGTTTTAACAAATGACTTGAT-3'

ClinVar aggregate classification (germline): Pathogenic. Review status: reviewed by expert panel (3 of 4 stars). 2 submissions from 2 submitters: Pathogenic (1). 1 of the submissions does not count toward it. Last evaluated 2017-12-15.

Conditions:
Hereditary breast ovarian cancer syndrome. Also called: Hereditary breast and ovarian cancer syndrome (HBOC); BRCA1- and BRCA2-Associated Hereditary Breast and Ovarian Cancer; Hereditary breast and/or ovarian cancer syndrome; Hereditary breast and ovarian cancer syndrome; Hereditary breast and ovarian cancer; Breast and ovarian cancer. Identifiers: Orphanet 145, MedGen C0677776, MeSH D061325, MONDO:0003582. Disease mechanism: loss of function.
Breast-ovarian cancer, familial, susceptibility to, 1 (BROVCA1). Also called: BRCA1 Hereditary Breast and Ovarian Cancer; OVARIAN CANCER, SUSCEPTIBILITY TO. Identifiers: Orphanet 145, MedGen C2676676, MONDO:0011450, OMIM 604370. Disease mechanism: loss of function.

Submissions (2):

Evidence-based Network for the Interpretation of Germline Mutant Alleles (ENIGMA)
Classification: Pathogenic for Breast-ovarian cancer, familial, susceptibility to, 1. Last evaluated: 2017-12-15. Review status: reviewed by expert panel. Criteria: ENIGMA BRCA1/2 Classification Criteria (2017-06-29). Collection method: curation. Allele origin: germline. Study: ENIGMA.
Comment: Variant allele predicted to encode a truncated non-functional protein.

Research Molecular Genetics Laboratory, Women's College Hospital, University of Toronto
Classification: Pathogenic for Hereditary breast ovarian cancer syndrome. Last evaluated: 2014-01-31. Review status: no assertion criteria provided. Collection method: research. Allele origin: germline. Affected: yes. Study: The Canadian Open Genetics Repository (COGR). Not counted in ClinVar's aggregate classification.